The following is an entry in ClinVar:

ClinVar aggregate classification (germline): Uncertain significance. Review status: criteria provided, multiple submitters, no conflicts (2 of 4 stars). 6 submissions from 6 submitters: Uncertain significance (4). 2 of the submissions do not count toward it. Last evaluated 2025-09-14.

Conditions:
Cardiovascular phenotype. Identifiers: MedGen CN230736.
Dilated cardiomyopathy 1M (CMD1M). Identifiers: Orphanet 154, MedGen C1843808, MONDO:0011840, OMIM 607482.
Hypertrophic cardiomyopathy 12. Identifiers: MedGen C2677491, MONDO:0012804, OMIM 612124.
Hypertrophic cardiomyopathy. Also called: HYPERTROPHIC MYOCARDIOPATHY. Identifiers: Orphanet 217569, MedGen C0007194, MeSH D002312, MONDO:0005045, HP:0001639.

Allele frequency attached by ClinVar (database versions not stated): gnomAD 0.00001; ExAC 0.00002; gnomAD exomes 0.00002 and 0.00005; TOPMed 0.00002.
gnomAD v4.1: 77 of 1,613,678 alleles (0.0048%); highest among the groups gnomAD compares: Non-Finnish European, 0.0064%; no homozygotes.

Submissions (6):

Labcorp Genetics (formerly Invitae), Labcorp
Classification: Uncertain significance for Hypertrophic cardiomyopathy 12; Dilated cardiomyopathy 1M. Last evaluated: 2025-09-14. Review status: criteria provided, single submitter. Criteria: Invitae Variant Classification Sherloc (09022015). Collection method: clinical testing. Allele origin: germline.
Comment: This sequence change replaces lysine, which is basic and polar, with arginine, which is basic and polar, at codon 69 of the CSRP3 protein (p.Lys69Arg). This variant is present in population databases (rs137852764, gnomAD 0.003%). This missense change has been observed in individual(s) with hypertrophic cardiomyopathy or dilated cardiomyopathy with endocardial fibroelastosis (PMID: 8994428, 14567970, 28790153, 35626289). ClinVar contains an entry for this variant (Variation ID: 8780). An algorithm developed to predict the effect of missense changes on protein structure and function (PolyPhen-2) suggests that this variant is likely to be tolerated. Experimental studies have shown that this missense change affects CSRP3 function (PMID: 14567970, 18250163, 27353086). In summary, the available evidence is currently insufficient to determine the role of this variant in disease. Therefore, it has been classified as a Variant of Uncertain Significance.

GeneDx
Classification: Uncertain significance. Last evaluated: 2024-03-08. Review status: criteria provided, single submitter. Criteria: GeneDx Variant Classification Process June 2021. Collection method: clinical testing. Allele origin: germline. Affected: yes.
Comment: Initially reported in two deceased infant siblings diagnosed with DCM associated with endocardial fibroelastosis; the variant was also identified in their unaffected mother (PMID: 14567970); Not observed at a significant frequency in large population cohorts (gnomAD); In silico analysis supports that this missense variant has a deleterious effect on protein structure/function; In vitro studies demonstrated that the K69R variant abolishes the interaction between MLP and alpha-actinin-2 and also demonstrated differential localization in the cell as compared with wild-type protein (PMID: 14567970); however, additional studies are needed to validate the functional effect of this variant in vivo; Reported in ClinVar as a variant of uncertain significance by other clinical laboratories (ClinVar Variant ID# 8780; ClinVar); This variant is associated with the following publications: (PMID: 22337857, 27896284, 23299917, 28790153, 14567970, 35626289)

Ambry Genetics
Classification: Uncertain significance for Cardiovascular phenotype. Last evaluated: 2023-04-27. Review status: criteria provided, single submitter. Criteria: Ambry Variant Classification Scheme 2023. Collection method: clinical testing. Allele origin: germline.
Comment: The p.K69R variant (also known as c.206A>G), located in coding exon 2 of the CSRP3 gene, results from an A to G substitution at nucleotide position 206. The lysine at codon 69 is replaced by arginine, an amino acid with highly similar properties. In vitro analysis suggested that the mutant protein had an altered cellular localization and failed to bind &alpha;-actinin-2 (Mohapatra B et al. Mol. Genet. Metab.;80:207-15). In addition, this alteration was reported to enhance PKC&alpha; phosphorylation in vitro (Lange S et al. Nat Commun, 2016 Jun;7:12120). This amino acid position is highly conserved in available vertebrate species. In addition, this alteration is predicted to be deleterious by in silico analysis. Since supporting evidence is limited at this time, the clinical significance of this alteration remains unclear.

Fulgent Genetics
Classification: Uncertain significance for Dilated cardiomyopathy 1M; Hypertrophic cardiomyopathy 12. Last evaluated: 2021-10-09. Review status: criteria provided, single submitter. Criteria: ACMG Guidelines, 2015. Collection method: clinical testing. Allele origin: unknown.

Agnes Ginges Centre for Molecular Cardiology, Centenary Institute
Classification: Uncertain significance for Hypertrophic cardiomyopathy. Last evaluated: 2019-12-06. Review status: no assertion criteria provided. Collection method: research. Allele origin: germline. Inheritance: Autosomal dominant inheritance. Affected: yes. Not counted in ClinVar's aggregate classification.
Comment: The CSRP3 Lys69Arg variant has been previously reported in 2 unrelated DCM cases (Zimmerman RS, et al., 2010; Mohaptra B, et al., 2003). The variant is present in the Exome Aggregation Consortium dataset (MAF=0.0000165). Computational tool SIFT and and MutationTaster predict this variant to be "deleterious" and "disease causing", however PolyPhen-2 predicts this variant to be "benign". In summary, based on current literature, rarity in general populations, and our limited familial data we classify CSRP3 Lys69Arg as variant of "uncertain significance".

OMIM
Classification: Pathogenic for CARDIOMYOPATHY, DILATED, 1M (1 family). Last evaluated: 2003-09-01. Review status: no assertion criteria provided. Collection method: literature only. Allele origin: germline. Not counted in ClinVar's aggregate classification.

Literature cited by the submitters: PubMed 8994428 (cited by Labcorp Genetics (formerly Invitae), Labcorp); PubMed 14567970 (cited by 4 submitters); PubMed 28790153 (cited by Labcorp Genetics (formerly Invitae), Labcorp and Ambry Genetics); PubMed 35626289 (cited by Labcorp Genetics (formerly Invitae), Labcorp and Ambry Genetics); PubMed 18250163 (cited by Labcorp Genetics (formerly Invitae), Labcorp); PubMed 27353086 (cited by 3 submitters); PubMed 20474083 (cited by Agnes Ginges Centre for Molecular Cardiology, Centenary Institute); PubMed 23299917 (cited by Agnes Ginges Centre for Molecular Cardiology, Centenary Institute); PubMed 22337857 (cited by Agnes Ginges Centre for Molecular Cardiology, Centenary Institute).

NM_003476.5(CSRP3):c.206A>G (p.Lys69Arg)

Gene: CSRP3 (cysteine and glycine rich protein 3; minus strand). Cytogenetic location: 11p15.1.
Variant type: single nucleotide variant.
Coding change: c.206A>G on transcript NM_003476.5 (MANE Select); coding-DNA position 206, A replaced by G.
Protein change: p.Lys69Arg; replaces lysine 69 with arginine.
Molecular consequence: missense variant. On other transcripts: intron variant (1).
Genome position (GRCh38, 1-based): chr11:19,188,211, T>C on the plus strand (A>G on the coding strand, the complement: CSRP3 is on the minus strand). VCF-style: chr11-19188211-T-C. GRCh37 (hg19) VCF-style: chr11-19209758-T-C.
Other names: c.206A>G, p.Lys69Arg (LRG_440t1); c.113-1863A>G (NM_001369404.1); short protein forms K69R.
Identifiers: ClinVar variation 8780 (VCV000008780.17), dbSNP rs137852764, ClinGen allele CA254551.